The following is an entry in ClinVar:

ClinVar aggregate classification (germline): Benign/Likely benign. Review status: criteria provided, multiple submitters, no conflicts (2 of 4 stars). 2 submissions from 2 submitters: Benign (1); Likely benign (1). Last evaluated 2018-01-12.

Conditions:
Immunodeficiency 35 (IMD35). Also called: HIES WITH ATYPICAL MYCOBACTERIOSIS, AUTOSOMAL RECESSIVE; HYPER-IgE SYNDROME WITH ATYPICAL MYCOBACTERIOSIS, AUTOSOMAL RECESSIVE; TYK2 DEFICIENCY; Susceptibility to infection due to TYK2 deficiency. Identifiers: Orphanet 331226, MedGen C1969086, MONDO:0012682, OMIM 611521.

Allele frequency attached by ClinVar (database versions not stated): gnomAD 0.00645; TOPMed 0.00757; 1000 Genomes Project 0.00859; 1000 Genomes Project 30x 0.00890.

Submissions (2):

Illumina Laboratory Services, Illumina
Classification: Benign for Immunodeficiency 35. Last evaluated: 2018-01-12. Review status: criteria provided, single submitter. Criteria: ICSL Variant Classification Criteria 13 December 2019. Collection method: clinical testing. Allele origin: germline.
Comment: This variant was observed in the ICSL laboratory as part of a predisposition screen in an ostensibly healthy population. It had not been previously curated by ICSL or reported in the Human Gene Mutation Database (HGMD: prior to June 1st, 2018), and was therefore a candidate for classification through an automated scoring system. Utilizing variant allele frequency, disease prevalence and penetrance estimates, and inheritance mode, an automated score was calculated to assess if this variant is too frequent to cause the disease. Based on the score and internal cut-off values, a variant classified as benign is not then subjected to further curation. The score for this variant resulted in a classification of benign for this disease.

GeneDx
Classification: Likely benign. Last evaluated: 2017-05-19. Review status: criteria provided, single submitter. Criteria: GeneDx Variant Classification (06012015). Collection method: clinical testing. Allele origin: germline. Affected: yes.
Comment: This variant is considered likely benign or benign based on one or more of the following criteria: it is a conservative change, it occurs at a poorly conserved position in the protein, it is predicted to be benign by multiple in silico algorithms, and/or has population frequency not consistent with disease.

NM_003331.5(TYK2):c.-21+7T>G

Gene: TYK2 (tyrosine kinase 2; minus strand). Cytogenetic location: 19p13.2.
Variant type: single nucleotide variant.
Coding change: c.-21+7T>G on transcript NM_003331.5 (MANE Select); 7 bases into the intron after 21 bases upstream of the start codon, T replaced by G.
Molecular consequence: intron variant.
Genome position (GRCh38, 1-based): chr19:10,379,608, A>C on the plus strand (T>G on the coding strand, the complement: TYK2 is on the minus strand). VCF-style: chr19-10379608-A-C. GRCh37 (hg19) VCF-style: chr19-10490284-A-C.
Other names: c.-21+7T>G (LRG_121t1).
Identifiers: ClinVar variation 327963 (VCV000327963.5), dbSNP rs77948647, ClinGen allele CA10642151.